The following is an entry in ClinVar:

ClinVar aggregate classification (germline): Uncertain significance (1 of 4 stars; one submission).

Conditions:
Inborn genetic diseases. Identifiers: MedGen C0950123, MeSH D030342.

Submission:

Ambry Genetics
Classification: Uncertain significance for Inborn genetic diseases. Last evaluated: 2025-02-16. Review status: criteria provided, single submitter. Criteria: Ambry Variant Classification Scheme 2023. Collection method: clinical testing. Allele origin: germline.
Comment: The p.K1176R variant (also known as c.3527A>G), located in coding exon 33 of the RTEL1 gene, results from an A to G substitution at nucleotide position 3527. The lysine at codon 1176 is replaced by arginine, an amino acid with highly similar properties. This amino acid position is conserved. In addition, this alteration is predicted to be tolerated by in silico analysis. Based on the available evidence, the clinical significance of this variant remains unclear.

NM_001283009.2(RTEL1):c.3527A>G (p.Lys1176Arg)

Genes: RTEL1 (regulator of telomere elongation helicase 1; plus strand), RTEL1-TNFRSF6B (RTEL1-TNFRSF6B readthrough (NMD candidate); plus strand). Cytogenetic location: 20q13.33.
Variant type: single nucleotide variant.
Coding change: c.3527A>G on transcript NM_001283009.2 (MANE Select); coding-DNA position 3527, A replaced by G.
Protein change: p.Lys1176Arg; replaces lysine 1176 with arginine.
Molecular consequence: missense variant. On other transcripts: non-coding transcript variant (1).
Genome position (GRCh38, 1-based): chr20:63,695,355, A>G. VCF-style: chr20-63695355-A-G. GRCh37 (hg19) VCF-style: chr20-62326708-A-G.
Other names: c.2858A>G, p.Lys953Arg (NM_001283010.1); c.3527A>G, p.Lys1176Arg (NM_016434.4); c.3599A>G, p.Lys1200Arg (NM_032957.5); short protein forms K1176R, K1200R, K953R.
Identifiers: ClinVar variation 3791158 (VCV003791158.1).